The following is an entry in ClinVar:

ClinVar aggregate classification (germline): Uncertain significance (1 of 4 stars; one submission).

Submission:

GeneDx
Classification: Uncertain significance. Last evaluated: 2025-04-08. Review status: criteria provided, single submitter. Criteria: GeneDx Variant Classification Process June 2021. Collection method: clinical testing. Allele origin: germline.
Comment: Frameshift variant predicted to result in protein truncation or nonsense mediated decay in a gene or region of a gene for which loss of function is not a well-established mechanism of disease; Not observed at significant frequency in large population cohorts (gnomAD); Has not been previously published as pathogenic or benign to our knowledge

NM_003410.4(ZFX):c.693dup (p.Met232fs)

Gene: ZFX (zinc finger protein X-linked; plus strand). Cytogenetic location: Xp22.11.
Variant type: Duplication.
Coding change: c.693dup on transcript NM_003410.4 (MANE Select); coding-DNA position 693, one base duplicated (C; older notation c.693dupC).
Protein change: p.Met232fs; shifts the reading frame from methionine 232.
Molecular consequence: frameshift variant.
Genome position (GRCh38, 1-based): chrX:24,207,372, C duplicated; the last of 2 consecutive C bases (chrX:24,207,371-24,207,372); duplicating either gives the same sequence. VCF-style (leftmost placement, unchanged base first): chrX-24207370-A-AC. GRCh37 (hg19) VCF-style: chrX-24225487-A-AC.
Other names: c.693dup, p.Met232fs (NM_001178084.2, NM_001178085.1, NM_001178095.2); c.6dup, p.Met3fs (NM_001178086.2); c.810dup, p.Met271fs (NM_001330327.2); short protein forms M232fs, M271fs, M3fs.
Identifiers: ClinVar variation 3774214 (VCV003774214.2).